The following is an entry in ClinVar:

NM_000051.4(ATM):c.84_85del (p.Lys29fs)

Gene: ATM (ATM serine/threonine kinase; plus strand). Cytogenetic location: 11q22.3.
Variant type: Microsatellite.
Coding change: c.84_85del on transcript NM_000051.4 (MANE Select); coding-DNA positions 84 to 85, 2 bases deleted (GA; older notation c.84_85delGA).
Protein change: p.Lys29fs; shifts the reading frame from lysine 29.
Molecular consequence: frameshift variant.
Genome position (GRCh38, 1-based): chr11:108,227,787-108,227,788, GA deleted; deleting any 2 consecutive bases within chr11:108,227,785-108,227,788 gives the same sequence; the c. name uses the placement nearest the transcript's 3' end. VCF-style (leftmost placement, unchanged base first): chr11-108227784-TGA-T. GRCh37 (hg19) VCF-style: chr11-108098511-TGA-T.
Other names: c.84_85del, p.Lys29fs (NM_001351834.2, NM_001351835.2, NM_001351836.2); c.84_85delGA (NM_000051.3); short protein forms K29fs.
Identifiers: ClinVar variation 925451 (VCV000925451.5), dbSNP rs2078817543, ClinGen allele CA913188369.

ClinVar aggregate classification (germline): Pathogenic. Review status: criteria provided, multiple submitters, no conflicts (2 of 4 stars). 3 submissions from 3 submitters: Pathogenic (2). 1 of the submissions does not count toward it. Last evaluated 2025-06-09.

Conditions:
Hereditary cancer-predisposing syndrome. Also called: Neoplastic Syndromes, Hereditary; Tumor predisposition; Hereditary Cancer Syndrome; Hereditary neoplastic syndrome. Identifiers: Orphanet 140162, MedGen C0027672, MeSH D009386, MONDO:0015356.
ATM-related disorder. Also called: ATM-related disorders; ATM-related condition.

Submissions (3):

Ambry Genetics
Classification: Pathogenic for Hereditary cancer-predisposing syndrome. Last evaluated: 2025-06-09. Review status: criteria provided, single submitter. Criteria: Ambry Variant Classification Scheme 2023. Collection method: clinical testing. Allele origin: germline.
Comment: The c.84_85delGA pathogenic mutation, located in coding exon 2 of the ATM gene, results from a deletion of two nucleotides at nucleotide positions 84 to 85, causing a translational frameshift with a predicted alternate stop codon (p.K29Ifs*2). This variant is considered to be rare based on population cohorts in the Genome Aggregation Database (gnomAD). This alteration is expected to result in loss of function by premature protein truncation or nonsense-mediated mRNA decay. As such, this alteration is interpreted as a disease-causing mutation.

Color Diagnostics, LLC DBA Color Health
Classification: Pathogenic for Hereditary cancer-predisposing syndrome. Last evaluated: 2020-01-15. Review status: criteria provided, single submitter. Criteria: ACMG Guidelines, 2015. Collection method: clinical testing. Allele origin: germline.
Comment: This variant deletes 2 nucleotides in exon 3 of the ATM gene, creating a frameshift and premature translation stop signal. This variant is expected to result in an absent or non-functional protein product. This variant has not been identified in the general population by the Genome Aggregation Database (gnomAD). Loss of ATM function is a known mechanism of disease. Based on the available evidence, this variant is classified as Pathogenic.

PreventionGenetics, part of Exact Sciences
Classification: Likely pathogenic for ATM-related condition. Last evaluated: 2024-08-17. Review status: no assertion criteria provided. Collection method: clinical testing. Allele origin: germline. Not counted in ClinVar's aggregate classification.
Comment: The ATM c.84_85delGA variant is predicted to result in a frameshift and premature protein termination (p.Lys29Ilefs*2). To our knowledge this variant has not been reported in the literature or in a large population database, indicating this variant is rare. This variant is interpreted as pathogenic by one lab in ClinVar. Frameshift variants in ATM are expected to be pathogenic. This variant is interpreted as likely pathogenic.